The following is an entry in ClinVar:

NM_004523.4(KIF11):c.1740C>T (p.Thr580=)

Gene: KIF11 (kinesin family member 11; plus strand). Cytogenetic location: 10q23.33.
Variant type: single nucleotide variant.
Coding change: c.1740C>T on transcript NM_004523.4 (MANE Select); coding-DNA position 1740, C replaced by T.
Protein change: p.Thr580=; no amino-acid change (threonine 580 retained).
Molecular consequence: synonymous variant.
Genome position (GRCh38, 1-based): chr10:92,633,660, C>T. VCF-style: chr10-92633660-C-T. GRCh37 (hg19) VCF-style: chr10-94393417-C-T.
Other names: c.1740C>T (NM_004523.3).
Identifiers: ClinVar variation 1091599 (VCV001091599.11), dbSNP rs370717278, ClinGen allele CA5604263.

ClinVar aggregate classification (germline): Likely benign. Review status: criteria provided, single submitter (1 of 4 stars). 2 submissions from 2 submitters: Likely benign (1). 1 of the submissions does not count toward it. Last evaluated 2025-11-15.

Conditions:
KIF11-related disorder. Also called: KIF11-related condition.

Allele frequency attached by ClinVar (database versions not stated): TOPMed 0.00001; gnomAD exomes 0.00002; ExAC 0.00003; ESP Exome Variant Server 0.00008.
gnomAD v4.1: 12 of 1,607,780 alleles (0.00075%); highest among the groups gnomAD compares: South Asian, 0.01%; no homozygotes.

Submissions (2):

Labcorp Genetics (formerly Invitae), Labcorp
Classification: Likely benign. Last evaluated: 2025-11-15. Review status: criteria provided, single submitter. Criteria: Invitae Variant Classification Sherloc (09022015). Collection method: clinical testing. Allele origin: germline.

PreventionGenetics, part of Exact Sciences
Classification: Likely benign for KIF11-related condition. Last evaluated: 2023-09-13. Review status: no assertion criteria provided. Collection method: clinical testing. Allele origin: germline. Not counted in ClinVar's aggregate classification.
Comment: This variant is classified as likely benign based on ACMG/AMP sequence variant interpretation guidelines (Richards et al. 2015 PMID: 25741868, with internal and published modifications).